The following is an entry in ClinVar:

ClinVar aggregate classification (germline): Uncertain significance. Review status: criteria provided, multiple submitters, no conflicts (2 of 4 stars). 5 submissions from 5 submitters: Uncertain significance (5). Last evaluated 2026-01-28.

Conditions:
Hereditary cancer-predisposing syndrome. Also called: Hereditary neoplastic syndrome; Neoplastic Syndromes, Hereditary; Tumor predisposition; Hereditary Cancer Syndrome. Identifiers: Orphanet 140162, MedGen C0027672, MeSH D009386, MONDO:0015356.
Pheochromocytoma. Also called: MAX-Related Hereditary Paraganglioma-Pheochromocytoma Syndrome. Identifiers: Orphanet 29072, MedGen C0031511, MONDO:0008233, OMIM 171300, HP:0002666.
Polydactyly-macrocephaly syndrome (PDMCS). Identifiers: MedGen C5882754, MONDO:0958227, OMIM 620712.
Hereditary pheochromocytoma and paraganglioma. Also called: Hereditary Paraganglioma-Pheochromocytoma Syndromes; Hereditary paragangliomas and pheochromocytomas; Hereditary pheochromocytoma-paraganglioma. Identifiers: Orphanet 29072, MedGen C4274332, MONDO:0017366.

Allele frequency attached by ClinVar (database versions not stated): gnomAD 0.00001; gnomAD exomes 0.00001 and 0.00002; TOPMed 0.00001; ExAC 0.00003.
gnomAD v4.1: 18 of 1,614,046 alleles (0.0011%); highest among the groups gnomAD compares: East Asian, 0.0045%; no homozygotes.

Submissions (5):

Labcorp Genetics (formerly Invitae), Labcorp
Classification: Uncertain significance for Hereditary pheochromocytoma and paraganglioma. Last evaluated: 2026-01-28. Review status: criteria provided, single submitter. Criteria: Invitae Variant Classification Sherloc (09022015). Collection method: clinical testing. Allele origin: germline.
Comment: This sequence change replaces alanine, which is neutral and non-polar, with valine, which is neutral and non-polar, at codon 105 of the MAX protein (p.Ala105Val). This variant is present in population databases (rs769051095, gnomAD 0.01%). This variant has not been reported in the literature in individuals affected with MAX-related conditions. ClinVar contains an entry for this variant (Variation ID: 229959). An algorithm developed to predict the effect of missense changes on protein structure and function (PolyPhen-2) suggests that this variant is likely to be tolerated. In summary, the available evidence is currently insufficient to determine the role of this variant in disease. Therefore, it has been classified as a Variant of Uncertain Significance.

Ambry Genetics
Classification: Uncertain significance for Hereditary cancer-predisposing syndrome. Last evaluated: 2025-11-09. Review status: criteria provided, single submitter. Criteria: Ambry Variant Classification Scheme 2023. Collection method: clinical testing. Allele origin: germline.
Comment: The p.A105V variant (also known as c.314C>T), located in coding exon 5 of the MAX gene, results from a C to T substitution at nucleotide position 314. The alanine at codon 105 is replaced by valine, an amino acid with similar properties. This amino acid position is well conserved in available vertebrate species; however, valine is the reference amino acid in other vertebrate species. In addition, the in silico prediction for this alteration is inconclusive. Since supporting evidence is limited at this time, the clinical significance of this alteration remains unclear.

Quest Diagnostics Nichols Institute San Juan Capistrano
Classification: Uncertain significance. Last evaluated: 2025-06-09. Review status: criteria provided, single submitter. Criteria: Quest Diagnostics criteria. Collection method: clinical testing. Allele origin: unknown.
Comment: The MAX c.314C>T (p.Ala105Val) variant has not been reported in individuals with MAX-related conditions in the published literature. The frequency of this variant in the general population (Genome Aggregation Database) is uninformative in the assessment of its pathogenicity. Analysis of this variant using bioinformatics tools for the prediction of the effect of amino acid changes on protein structure and function yielded inconclusive and benign findings. Based on the available information, we are unable to determine the clinical significance of this variant.

Fulgent Genetics
Classification: Uncertain significance for Pheochromocytoma; Polydactyly-macrocephaly syndrome. Last evaluated: 2024-01-24. Review status: criteria provided, single submitter. Criteria: ACMG Guidelines, 2015. Collection method: clinical testing. Allele origin: germline.

GeneDx
Classification: Uncertain significance. Last evaluated: 2023-09-14. Review status: criteria provided, single submitter. Criteria: GeneDx Variant Classification Process June 2021. Collection method: clinical testing. Allele origin: germline. Affected: yes.
Comment: In silico analysis supports that this missense variant has a deleterious effect on protein structure/function; Has not been previously published as pathogenic or benign to our knowledge; This variant is associated with the following publications: (PMID: 1730412)

NM_002382.5(MAX):c.314C>T (p.Ala105Val)

Gene: MAX (MYC associated transcriptional regulator X; minus strand). Cytogenetic location: 14q23.3.
Variant type: single nucleotide variant.
Coding change: c.314C>T on transcript NM_002382.5 (MANE Select); coding-DNA position 314, C replaced by T.
Protein change: p.Ala105Val; replaces alanine 105 with valine.
Molecular consequence: missense variant. On other transcripts: 3 prime UTR variant (1), intron variant (2).
Genome position (GRCh38, 1-based): chr14:65,076,645, G>A on the plus strand (C>T on the coding strand, the complement: MAX is on the minus strand). VCF-style: chr14-65076645-G-A. GRCh37 (hg19) VCF-style: chr14-65543363-G-A.
Other names: c.125C>T, p.Ala42Val (NM_001320415.2, NM_001407105.1, NM_001407106.1 and 1 more transcripts); c.314C>T, p.Ala105Val (NM_001407094.1); c.287C>T, p.Ala96Val (NM_001407095.1, NM_145112.3); c.*87C>T (NM_001407096.1, NM_001407099.1, NM_001407102.1 and 2 more transcripts); c.*103C>T (NM_001407097.1, NM_001407100.1, NM_001407101.1 and 4 more transcripts); c.206C>T, p.Ala69Val (NM_001407098.1); c.113C>T, p.Ala38Val (NM_001407111.1, NM_001407112.1); c.144+17063C>T (NM_001271069.2); and 1 more; short protein forms A105V, A96V, A42V, A69V, A38V.
Identifiers: ClinVar variation 229959 (VCV000229959.17), dbSNP rs769051095, ClinGen allele CA7232811.